The following is an entry in ClinVar:

ClinVar aggregate classification (germline): Pathogenic (1 of 4 stars; one submission).

Conditions:
Early-infantile DEE. Also called: Early infantile epileptic encephalopathy; Early infantile epileptic encephalopathy with suppression bursts; Ohtahara syndrome. Identifiers: Orphanet 1934, MedGen C0393706, MONDO:0800491.

Submission:

Labcorp Genetics (formerly Invitae), Labcorp
Classification: Pathogenic for Early-infantile DEE. Last evaluated: 2020-04-01. Review status: criteria provided, single submitter. Criteria: Invitae Variant Classification Sherloc (09022015). Collection method: clinical testing. Allele origin: germline.
Comment: For these reasons, this variant has been classified as Pathogenic. Donor and acceptor splice site variants typically lead to a loss of protein function (PMID: 16199547), and loss-of-function variants in KCNQ2 are known to be pathogenic (PMID: 14534157, 23692823, 27779742). Algorithms developed to predict the effect of sequence changes on RNA splicing suggest that this variant may disrupt the consensus splice site, but this prediction has not been confirmed by published transcriptional studies. Disruption of this splice site has been observed in individual(s) with clinical features of benign familial neonatal-infantile seizures (PMID: 10774989). It has also been observed to segregate with disease in related individuals. This variant is not present in population databases (ExAC no frequency). This sequence change affects a donor splice site in intron 10 of the KCNQ2 gene. It is expected to disrupt RNA splicing and likely results in an absent or disrupted protein product.

Literature cited by the submitters: PubMed 16199547; PubMed 14534157; PubMed 23692823; PubMed 27779742; PubMed 10774989.

NM_172107.4(KCNQ2):c.1217+1G>T

Gene: KCNQ2 (potassium voltage-gated channel subfamily Q member 2; minus strand). Cytogenetic location: 20q13.33.
Variant type: single nucleotide variant.
Coding change: c.1217+1G>T on transcript NM_172107.4 (MANE Select); the canonical splice donor site of the intron after coding-DNA position 1217, G replaced by T.
Molecular consequence: splice donor variant.
Genome position (GRCh38, 1-based): chr20:63,428,366, C>A on the plus strand (G>T on the coding strand, the complement: KCNQ2 is on the minus strand). VCF-style: chr20-63428366-C-A. GRCh37 (hg19) VCF-style: chr20-62059719-C-A.
Other names: c.1187+1G>T (NM_004518.6); c.1217+1G>T (NM_172108.5, NM_172106.3, NM_001382235.1).
Identifiers: ClinVar variation 863917 (VCV000863917.11), dbSNP rs2080693649, ClinGen allele CA409649712.